The following is an entry in ClinVar:

NM_001080432.2(FTO):c.-140T>C

Gene: FTO (FTO alpha-ketoglutarate dependent dioxygenase; plus strand). Cytogenetic location: 16q12.2.
Variant type: single nucleotide variant.
Coding change: c.-140T>C on transcript NM_001080432.2; 140 bases upstream of the start codon, T replaced by C.
Genome position (GRCh38, 1-based): chr16:53,704,045, T>C. VCF-style: chr16-53704045-T-C. GRCh37 (hg19) VCF-style: chr16-53737957-T-C.
Identifiers: ClinVar variation 886779 (VCV000886779.6), dbSNP rs367716710, ClinGen allele CA281381624.

ClinVar aggregate classification (germline): Likely benign (1 of 4 stars; one submission).

Conditions:
Lethal polymalformative syndrome, Boissel type. Also called: GROWTH RETARDATION, DEVELOPMENTAL DELAY, AND FACIAL DYSMORPHISM. Identifiers: Orphanet 210144, MedGen C2752001, MONDO:0013050, OMIM 612938.

Allele frequency attached by ClinVar (database versions not stated): 1000 Genomes Project 30x 0.00281; gnomAD exomes 0.00022; gnomAD 0.00163 and 0.00154; 1000 Genomes Project 0.00260; TOPMed 0.00186.
gnomAD v4.1: 412 of 917,394 alleles (0.045%); highest among the groups gnomAD compares: African/African-American, 0.58%; 1 homozygote.

Submission:

Illumina Laboratory Services, Illumina
Classification: Likely benign for Lethal polymalformative syndrome, Boissel type. Last evaluated: 2018-01-13. Review status: criteria provided, single submitter. Criteria: ICSL Variant Classification Criteria 13 December 2019. Collection method: clinical testing. Allele origin: germline.
Comment: This variant was observed in the ICSL laboratory as part of a predisposition screen in an ostensibly healthy population. It had not been previously curated by ICSL or reported in the Human Gene Mutation Database (HGMD: prior to June 1st, 2018), and was therefore a candidate for classification through an automated scoring system. Utilizing variant allele frequency, disease prevalence and penetrance estimates, and inheritance mode, an automated score was calculated to assess if this variant is too frequent to cause the disease. Based on the score and internal cut-off values, a variant classified as likely benign is not then subjected to further curation. The score for this variant resulted in a classification of likely benign for this disease.